The following is an entry in ClinVar:

NM_007126.5(VCP):c.296T>C (p.Val99Ala)

Gene: VCP (valosin containing protein; minus strand). Cytogenetic location: 9p13.3.
Variant type: single nucleotide variant.
Coding change: c.296T>C on transcript NM_007126.5 (MANE Select); coding-DNA position 296, T replaced by C.
Protein change: p.Val99Ala; replaces valine 99 with alanine.
Molecular consequence: missense variant.
Genome position (GRCh38, 1-based): chr9:35,067,897, A>G on the plus strand (T>C on the coding strand, the complement: VCP is on the minus strand). VCF-style: chr9-35067897-A-G. GRCh37 (hg19) VCF-style: chr9-35067894-A-G.
Other names: c.161T>C, p.Val54Ala (NM_001354927.2, NM_001354928.2); short protein forms V54A, V99A.
Identifiers: ClinVar variation 3758076 (VCV003758076.2).

ClinVar aggregate classification (germline): Uncertain significance (1 of 4 stars; one submission).

Conditions:
Inclusion body myopathy with Paget disease of bone and frontotemporal dementia. Also called: Inclusion body myopathy with early-onset Paget disease and frontotemporal dementia. Identifiers: Orphanet 52430, MedGen C1833662, MONDO:0000507.
Frontotemporal dementia and/or amyotrophic lateral sclerosis 6 (FTDALS6). Also called: VCP-Related Amyotrophic Lateral Sclerosis; VCP-Related Amyotrophic Lateral Sclerosis/Frontotemporal Dementia. Identifiers: Orphanet 275872, Orphanet 803, MedGen C5436279, MONDO:0013501, OMIM 613954.

gnomAD v4.1: 8 of 1,614,178 alleles (0.0005%); highest among the groups gnomAD compares: Non-Finnish European, 0.00068%; no homozygotes.

Submission:

Labcorp Genetics (formerly Invitae), Labcorp
Classification: Uncertain significance for Inclusion body myopathy with Paget disease of bone and frontotemporal dementia; Frontotemporal dementia and/or amyotrophic lateral sclerosis 6. Last evaluated: 2025-02-12. Review status: criteria provided, single submitter. Criteria: Invitae Variant Classification Sherloc (09022015). Collection method: clinical testing. Allele origin: germline.
Comment: This sequence change replaces valine, which is neutral and non-polar, with alanine, which is neutral and non-polar, at codon 99 of the VCP protein (p.Val99Ala). This variant is not present in population databases (gnomAD no frequency). This variant has not been reported in the literature in individuals affected with VCP-related conditions. Invitae Evidence Modeling of protein sequence and biophysical properties (such as structural, functional, and spatial information, amino acid conservation, physicochemical variation, residue mobility, and thermodynamic stability) indicates that this missense variant is not expected to disrupt VCP protein function with a negative predictive value of 80%. In summary, the available evidence is currently insufficient to determine the role of this variant in disease. Therefore, it has been classified as a Variant of Uncertain Significance.